The following is an entry in ClinVar:

NM_032193.4(RNASEH2C):c.307G>A (p.Gly103Arg)

Gene: RNASEH2C (ribonuclease H2 subunit C; minus strand). Cytogenetic location: 11q13.1.
Variant type: single nucleotide variant.
Coding change: c.307G>A on transcript NM_032193.4 (MANE Select); coding-DNA position 307, G replaced by A.
Protein change: p.Gly103Arg; replaces glycine 103 with arginine.
Molecular consequence: missense variant.
Genome position (GRCh38, 1-based): chr11:65,720,283, C>T on the plus strand (G>A on the coding strand, the complement: RNASEH2C is on the minus strand). VCF-style: chr11-65720283-C-T. GRCh37 (hg19) VCF-style: chr11-65487754-C-T.
Other names: short protein forms G103R.
Identifiers: ClinVar variation 955179 (VCV000955179.6), dbSNP rs766900205, ClinGen allele CA6107742.
Genomic context (GRCh38, chr11:65,720,283, plus strand): 5'-ACCCTATCCCTTTGCTCACGAAGTCCCGCTCCAGCGGCTCCTCCTCTTGGTCGTCAGTCC[C>T]GGAATCCCGCAAGGGGTCTGGCTTCCCCATCGACACCTTCTTCTCTTCTGTCACCATCAC-3'
Protein context (NP_115569.2, residues 93-113): MGKPDPLRDS[Gly103Arg]TDDQEEEPLE

ClinVar aggregate classification (germline): Uncertain significance (1 of 4 stars; one submission).

Conditions:
Aicardi-Goutieres syndrome 3. Identifiers: Orphanet 51, MedGen C1835916, MONDO:0012471, OMIM 610329.

Allele frequency attached by ClinVar (database versions not stated): gnomAD exomes below 0.00001.

Submission:

Labcorp Genetics (formerly Invitae), Labcorp
Classification: Uncertain significance for Aicardi-Goutieres syndrome 3. Last evaluated: 2025-06-16. Review status: criteria provided, single submitter. Criteria: Invitae Variant Classification Sherloc (09022015). Collection method: clinical testing. Allele origin: germline.
Comment: This sequence change replaces glycine, which is neutral and non-polar, with arginine, which is basic and polar, at codon 103 of the RNASEH2C protein (p.Gly103Arg). This variant is present in population databases (rs766900205, gnomAD 0.003%). This variant has not been reported in the literature in individuals affected with RNASEH2C-related conditions. ClinVar contains an entry for this variant (Variation ID: 955179). An algorithm developed to predict the effect of missense changes on protein structure and function (PolyPhen-2) suggests that this variant is likely to be tolerated. In summary, the available evidence is currently insufficient to determine the role of this variant in disease. Therefore, it has been classified as a Variant of Uncertain Significance.